The following is an entry in ClinVar:

NM_014698.3(TMEM63A):c.1428G>A (p.Ser476=)

Gene: TMEM63A (transmembrane protein 63A; minus strand). Cytogenetic location: 1q42.12.
Variant type: single nucleotide variant.
Coding change: c.1428G>A on transcript NM_014698.3 (MANE Select); coding-DNA position 1428, G replaced by A.
Protein change: p.Ser476=; no amino-acid change (serine 476 retained).
Molecular consequence: synonymous variant.
Genome position (GRCh38, 1-based): chr1:225,856,967, C>T on the plus strand (G>A on the coding strand, the complement: TMEM63A is on the minus strand). VCF-style: chr1-225856967-C-T. GRCh37 (hg19) VCF-style: chr1-226044667-C-T.
Identifiers: ClinVar variation 4084657 (VCV004084657.8).

ClinVar aggregate classification (germline): Likely benign (1 of 4 stars; one submission).

gnomAD v4.1: 44 of 1,601,020 alleles (0.0027%); highest among the groups gnomAD compares: African/African-American, 0.023%; no homozygotes.

Submission:

CeGaT Center for Human Genetics Tuebingen
Classification: Likely benign. Last evaluated: 2025-07-01. Review status: criteria provided, single submitter. Criteria: CeGaT Center For Human Genetics Tuebingen Variant Classification Criteria Version 2. Collection method: clinical testing. Allele origin: germline. Affected: yes. Observed: 1 variant allele.
Comment: TMEM63A: BP4, BP7